The following is an entry in ClinVar:

ClinVar aggregate classification (germline): Likely benign (0 of 4 stars; one submission).

Conditions:
CRBN-related disorder. Also called: CRBN-related condition.

Allele frequency attached by ClinVar (database versions not stated): gnomAD exomes 0.00001; gnomAD 0.00002; ExAC 0.00002; ESP Exome Variant Server 0.00008; TOPMed 0.00002.
gnomAD v4.1: 9 of 1,612,630 alleles (0.00056%); highest among the groups gnomAD compares: African/African-American, 0.011%; no homozygotes.

Submission:

PreventionGenetics, part of Exact Sciences
Classification: Likely benign for CRBN-related condition. Last evaluated: 2019-08-22. Review status: no assertion criteria provided. Collection method: clinical testing. Allele origin: germline.
Comment: This variant is classified as likely benign based on ACMG/AMP sequence variant interpretation guidelines (Richards et al. 2015 PMID: 25741868, with internal and published modifications).

NM_016302.4(CRBN):c.1148+6A>G

Genes: CRBN (cereblon; minus strand), TRNT1 (tRNA nucleotidyl transferase 1; plus strand). Cytogenetic location: 3p26.2.
Variant type: single nucleotide variant.
Coding change: c.1148+6A>G on transcript NM_016302.4 (MANE Select); 6 bases into the intron after coding-DNA position 1148, A replaced by G.
Molecular consequence: intron variant. On other transcripts: 3 prime UTR variant (1), non-coding transcript variant (4).
Genome position (GRCh38, 1-based): chr3:3,152,450, T>C on the plus strand (A>G on the coding strand, the complement: CRBN is on the minus strand). VCF-style: chr3-3152450-T-C. GRCh37 (hg19) VCF-style: chr3-3194134-T-C.
Other names: c.*1944T>C (NM_001367321.1); c.1145+6A>G (NM_001173482.1).
Identifiers: ClinVar variation 3052705 (VCV003052705.2), dbSNP rs375905223, ClinGen allele CA2229042.